The following is an entry in ClinVar:

ClinVar aggregate classification (germline): Uncertain significance. Review status: criteria provided, multiple submitters, no conflicts (2 of 4 stars). 3 submissions from 3 submitters: Uncertain significance (3). Last evaluated 2025-05-07.

Conditions:
Cardiovascular phenotype. Identifiers: MedGen CN230736.
Hereditary cancer-predisposing syndrome. Also called: Neoplastic Syndromes, Hereditary; Hereditary Cancer Syndrome; Hereditary neoplastic syndrome; Tumor predisposition. Identifiers: Orphanet 140162, MedGen C0027672, MeSH D009386, MONDO:0015356.
Neurofibromatosis, type 1 (NF1). Also called: VON RECKLINGHAUSEN DISEASE; Neurofibromatosis, type I; NEUROFIBROMATOSIS, TYPE I, SOMATIC; Peripheral type neurofibromatosis. Identifiers: Orphanet 636, MedGen C0027831, MONDO:0018975, OMIM 162200. Disease mechanism: loss of function.

Allele frequency attached by ClinVar (database versions not stated): ExAC 0.00002.
gnomAD v4.1: 2 of 1,613,794 alleles (0.00012%); highest among the groups gnomAD compares: Non-Finnish European, 0.00017%; no homozygotes.

Submissions (3):

Ambry Genetics
Classification: Uncertain significance for Cardiovascular phenotype; Hereditary cancer-predisposing syndrome. Last evaluated: 2025-05-07. Review status: criteria provided, single submitter. Criteria: Ambry Variant Classification Scheme 2023. Collection method: clinical testing. Allele origin: germline.
Comment: The p.G1417D variant (also known as c.4250G>A), located in coding exon 31 of the NF1 gene, results from a G to A substitution at nucleotide position 4250. The glycine at codon 1417 is replaced by aspartic acid, an amino acid with similar properties. This amino acid position is conserved. In addition, this alteration is predicted to be deleterious by in silico analysis. Based on the available evidence, the clinical significance of this variant remains unclear.

Labcorp Genetics (formerly Invitae), Labcorp
Classification: Uncertain significance for Neurofibromatosis, type 1. Last evaluated: 2024-11-12. Review status: criteria provided, single submitter. Criteria: Invitae Variant Classification Sherloc (09022015). Collection method: clinical testing. Allele origin: germline.
Comment: This sequence change replaces glycine, which is neutral and non-polar, with aspartic acid, which is acidic and polar, at codon 1417 of the NF1 protein (p.Gly1417Asp). This variant is present in population databases (rs748901190, gnomAD 0.002%). This variant has not been reported in the literature in individuals affected with NF1-related conditions. ClinVar contains an entry for this variant (Variation ID: 2185053). Invitae Evidence Modeling of protein sequence and biophysical properties (such as structural, functional, and spatial information, amino acid conservation, physicochemical variation, residue mobility, and thermodynamic stability) indicates that this missense variant is expected to disrupt NF1 protein function with a positive predictive value of 95%. In summary, the available evidence is currently insufficient to determine the role of this variant in disease. Therefore, it has been classified as a Variant of Uncertain Significance.

GeneDx
Classification: Uncertain significance. Last evaluated: 2023-08-11. Review status: criteria provided, single submitter. Criteria: GeneDx Variant Classification Process June 2021. Collection method: clinical testing. Allele origin: germline. Affected: yes.
Comment: In silico analysis supports that this missense variant has a deleterious effect on protein structure/function; Has not been previously published as pathogenic or benign to our knowledge; This variant is associated with the following publications: (PMID: 22807134, 25486365)

NM_001042492.3(NF1):c.4313G>A (p.Gly1438Asp)

Gene: NF1 (neurofibromin 1; plus strand). Cytogenetic location: 17q11.2.
Variant type: single nucleotide variant.
Coding change: c.4313G>A on transcript NM_001042492.3 (MANE Select); coding-DNA position 4313, G replaced by A.
Protein change: p.Gly1438Asp; replaces glycine 1438 with aspartic acid.
Molecular consequence: missense variant.
Genome position (GRCh38, 1-based): chr17:31,258,483, G>A. VCF-style: chr17-31258483-G-A. GRCh37 (hg19) VCF-style: chr17-29585501-G-A.
Other names: c.4250G>A, p.Gly1417Asp (NM_000267.4); short protein forms G1438D, G1417D.
Identifiers: ClinVar variation 2185053 (VCV002185053.6), dbSNP rs748901190, ClinGen allele CA8486375.